The following is an entry in ClinVar:

NM_016213.5(TRIP4):c.155TCC[1] (p.Leu53del)

Gene: TRIP4 (thyroid hormone receptor interactor 4; plus strand). Cytogenetic location: 15q22.31.
Variant type: Microsatellite.
Coding change: c.155TCC[1] on transcript NM_016213.5 (MANE Select); one copy of the 3-base unit TCC starting at c.155; the reference has two copies in a row; one copy, 3 bases deleted.
Protein change: p.Leu53del; deletes leucine 53.
Molecular consequence: inframe deletion. On other transcripts: 5 prime UTR variant (1), non-coding transcript variant (1).
Genome position (GRCh38, 1-based): chr15:64,394,002-64,394,004, TCC deleted; deleting any 3 consecutive bases within chr15:64,393,998-64,394,004 gives the same sequence; the position shown is the placement nearest the transcript's 3' end. VCF-style (leftmost placement, unchanged base first): chr15-64393997-TCTC-T. GRCh37 (hg19) VCF-style: chr15-64686196-TCTC-T.
Other names: c.-536TCC[1] (NM_001321924.2); short protein forms L53del.
Identifiers: ClinVar variation 1978007 (VCV001978007.5), dbSNP rs1255532740, ClinGen allele CA618778544.

ClinVar aggregate classification (germline): Uncertain significance (1 of 4 stars; one submission).

Submission:

Labcorp Genetics (formerly Invitae), Labcorp
Classification: Uncertain significance. Last evaluated: 2024-10-30. Review status: criteria provided, single submitter. Criteria: Invitae Variant Classification Sherloc (09022015). Collection method: clinical testing. Allele origin: germline.
Comment: This variant, c.158_160del, results in the deletion of 1 amino acid(s) of the TRIP4 protein (p.Leu53del), but otherwise preserves the integrity of the reading frame. This variant is present in population databases (no rsID available, gnomAD 0.003%). This variant has not been reported in the literature in individuals affected with TRIP4-related conditions. Experimental studies and prediction algorithms are not available or were not evaluated, and the functional significance of this variant is currently unknown. In summary, the available evidence is currently insufficient to determine the role of this variant in disease. Therefore, it has been classified as a Variant of Uncertain Significance.